The following is an entry in ClinVar:

NM_016356.5(DCDC2):c.1326+1G>A

Gene: DCDC2 (doublecortin domain containing 2; minus strand). Cytogenetic location: 6p22.3.
Variant type: single nucleotide variant.
Coding change: c.1326+1G>A on transcript NM_016356.5 (MANE Select); the canonical splice donor site of the intron after coding-DNA position 1326, G replaced by A.
Molecular consequence: splice donor variant.
Genome position (GRCh38, 1-based): chr6:24,178,329, C>T on the plus strand (G>A on the coding strand, the complement: DCDC2 is on the minus strand). VCF-style: chr6-24178329-C-T. GRCh37 (hg19) VCF-style: chr6-24178557-C-T.
Other names: c.1326+1G>A (NM_001195610.2).
Identifiers: ClinVar variation 4792468 (VCV004792468.1).

ClinVar aggregate classification (germline): Uncertain significance (1 of 4 stars; one submission).

Conditions:
Autosomal recessive nonsyndromic hearing loss 66 (DFNB66). Also called: Deafness, autosomal recessive 66. Identifiers: Orphanet 90636, MedGen C1857750, MONDO:0012442, OMIM 610212.
Isolated neonatal sclerosing cholangitis (NSC). Also called: Sclerosing cholangitis, neonatal. Identifiers: Orphanet 480556, MedGen C4479344, MONDO:0018816, OMIM 617394.

Submission:

Labcorp Genetics (formerly Invitae), Labcorp
Classification: Uncertain significance for Autosomal recessive nonsyndromic hearing loss 66; Isolated neonatal sclerosing cholangitis. Last evaluated: 2026-01-12. Review status: criteria provided, single submitter. Criteria: Invitae Variant Classification Sherloc (09022015). Collection method: clinical testing. Allele origin: germline.
Comment: This sequence change affects a donor splice site in intron 9 of the DCDC2 gene. While this variant is not anticipated to result in nonsense mediated decay, it likely alters RNA splicing and results in a disrupted protein product. This variant is not present in population databases (gnomAD no frequency). This variant has not been reported in the literature in individuals affected with DCDC2-related conditions. Variants that disrupt the consensus splice site are a relatively common cause of aberrant splicing (PMID: 17576681, 9536098). Algorithms developed to predict the effect of sequence changes on RNA splicing suggest that this variant may disrupt the consensus splice site. In summary, the available evidence is currently insufficient to determine the role of this variant in disease. Therefore, it has been classified as a Variant of Uncertain Significance.

Literature cited by the submitters: PubMed 17576681; PubMed 9536098.